The following is an entry in ClinVar:

ClinVar aggregate classification (germline): Conflicting classifications of pathogenicity. Review status: criteria provided, conflicting classifications (1 of 4 stars). 3 submissions from 3 submitters: Uncertain significance (1); Likely benign (2). Last evaluated 2026-02-17.

Conditions:
ABCA4-related disorder. Also called: ABCA4-related disorders; ABCA4-related condition. Identifiers: MedGen CN239167.

Allele frequency attached by ClinVar (database versions not stated): gnomAD exomes 0.00003 and 0.00005; gnomAD 0.00004 and 0.00005; TOPMed 0.00005; ExAC 0.00007; 1000 Genomes Project 30x 0.00031; ESP Exome Variant Server 0.00031.
gnomAD v4.1: 49 of 1,614,040 alleles (0.003%); highest among the groups gnomAD compares: South Asian, 0.035%; no homozygotes.

Submissions (3):

PreventionGenetics, part of Exact Sciences
Classification: Likely benign for ABCA4-related condition. Last evaluated: 2026-02-17. Review status: criteria provided, single submitter. Criteria: ACMG Guidelines, 2015. Collection method: clinical testing. Allele origin: germline.
Comment: This variant is classified as likely benign based on ACMG/AMP sequence variant interpretation guidelines (Richards et al. 2015 PMID: 25741868, with internal and published modifications).

Labcorp Genetics (formerly Invitae), Labcorp
Classification: Likely benign. Last evaluated: 2026-01-22. Review status: criteria provided, single submitter. Criteria: Invitae Variant Classification Sherloc (09022015). Collection method: clinical testing. Allele origin: germline.

Blueprint Genetics
Classification: Uncertain significance. Last evaluated: 2019-03-08. Review status: criteria provided, single submitter. Criteria: ACMG Guidelines, 2015. Collection method: clinical testing. Allele origin: germline.

NM_000350.3(ABCA4):c.5481C>T (p.Ala1827=)

Gene: ABCA4 (ATP binding cassette subfamily A member 4; minus strand). Cytogenetic location: 1p22.1.
Variant type: single nucleotide variant.
Coding change: c.5481C>T on transcript NM_000350.3 (MANE Select); coding-DNA position 5481, C replaced by T.
Protein change: p.Ala1827=; no amino-acid change (alanine 1827 retained).
Molecular consequence: synonymous variant.
Genome position (GRCh38, 1-based): chr1:94,011,365, G>A on the plus strand (C>T on the coding strand, the complement: ABCA4 is on the minus strand). VCF-style: chr1-94011365-G-A. GRCh37 (hg19) VCF-style: chr1-94476921-G-A.
Other names: c.5259C>T, p.Ala1753= (NM_001425324.1); c.5481C>T (NM_000350.2).
Identifiers: ClinVar variation 1144773 (VCV001144773.11), dbSNP rs375744648, ClinGen allele CA957239.